The following is an entry in ClinVar:

ClinVar aggregate classification (germline): Uncertain significance (1 of 4 stars; one submission).

Submission:

Labcorp Genetics (formerly Invitae), Labcorp
Classification: Uncertain significance. Last evaluated: 2024-08-29. Review status: criteria provided, single submitter. Criteria: Invitae Variant Classification Sherloc (09022015). Collection method: clinical testing. Allele origin: germline.
Comment: This sequence change replaces proline, which is neutral and non-polar, with threonine, which is neutral and polar, at codon 1663 of the COL11A2 protein (p.Pro1663Thr). This variant is not present in population databases (gnomAD no frequency). This variant has not been reported in the literature in individuals affected with COL11A2-related conditions. Invitae Evidence Modeling of protein sequence and biophysical properties (such as structural, functional, and spatial information, amino acid conservation, physicochemical variation, residue mobility, and thermodynamic stability) indicates that this missense variant is not expected to disrupt COL11A2 protein function with a negative predictive value of 95%. In summary, the available evidence is currently insufficient to determine the role of this variant in disease. Therefore, it has been classified as a Variant of Uncertain Significance.

NM_080680.3(COL11A2):c.4987C>A (p.Pro1663Thr)

Gene: COL11A2 (collagen type XI alpha 2 chain; minus strand). Cytogenetic location: 6p21.32.
Variant type: single nucleotide variant.
Coding change: c.4987C>A on transcript NM_080680.3 (MANE Select); coding-DNA position 4987, C replaced by A.
Protein change: p.Pro1663Thr; replaces proline 1663 with threonine.
Molecular consequence: missense variant.
Genome position (GRCh38, 1-based): chr6:33,164,350, G>T on the plus strand (C>A on the coding strand, the complement: COL11A2 is on the minus strand). VCF-style: chr6-33164350-G-T. GRCh37 (hg19) VCF-style: chr6-33132127-G-T.
Other names: c.3961C>A, p.Pro1321Thr (NM_001424111.1, NM_001424110.1); c.2941C>A, p.Pro981Thr (NM_001424112.1); c.4666C>A, p.Pro1556Thr (NM_080679.3); c.4729C>A, p.Pro1577Thr (NM_080681.3); c.4807C>A, p.Pro1603Thr (NM_001424108.1); c.4141C>A, p.Pro1381Thr (NM_001424109.1); short protein forms P1577T, P1663T, P1603T, P981T, P1321T, P1381T, P1556T.
Identifiers: ClinVar variation 3635236 (VCV003635236.2).